The following is an entry in ClinVar:

ClinVar aggregate classification (germline): Uncertain significance (1 of 4 stars; one submission).

gnomAD v4.1: 1 of 1,612,172 alleles (0.000062%); highest among the groups gnomAD compares: East Asian, 0.0022%; no homozygotes.

Submission:

GeneDx
Classification: Uncertain significance. Last evaluated: 2026-03-23. Review status: criteria provided, single submitter. Criteria: GeneDx Variant Classification Process June 2021. Collection method: clinical testing. Allele origin: germline.
Comment: Not observed at significant frequency in large population cohorts (gnomAD); In silico analysis suggests that this missense variant does not alter protein structure/function; Has not been previously published as pathogenic or benign to our knowledge

NM_001349798.2(FBXW7):c.22G>C (p.Val8Leu)

Gene: FBXW7 (F-box and WD repeat domain containing 7; minus strand). Cytogenetic location: 4q31.3.
Variant type: single nucleotide variant.
Coding change: c.22G>C on transcript NM_001349798.2 (MANE Select); coding-DNA position 22, G replaced by C.
Protein change: p.Val8Leu; replaces valine 8 with leucine.
Molecular consequence: missense variant.
Genome position (GRCh38, 1-based): chr4:152,411,782, C>G on the plus strand (G>C on the coding strand, the complement: FBXW7 is on the minus strand). VCF-style: chr4-152411782-C-G. GRCh37 (hg19) VCF-style: chr4-153332934-C-G.
Other names: c.22G>C, p.Val8Leu (NM_001257069.1, NM_033632.3); short protein forms V8L.
Identifiers: ClinVar variation 5017087 (VCV005017087.1).